The following is an entry in ClinVar:

NM_001148.6(ANK2):c.10888+264T>G

Gene: ANK2 (ankyrin 2; plus strand). Cytogenetic location: 4q26.
Variant type: single nucleotide variant.
Coding change: c.10888+264T>G on transcript NM_001148.6 (MANE Select); 264 bases into the intron after coding-DNA position 10888, T replaced by G.
Molecular consequence: intron variant.
Genome position (GRCh38, 1-based): chr4:113,363,733, T>G. VCF-style: chr4-113363733-T-G. GRCh37 (hg19) VCF-style: chr4-114284889-T-G.
Other names: c.4618+264T>G (NM_001386186.2, NM_001386148.2); c.4420+264T>G (NM_001354269.3); c.4498+264T>G (NM_001386187.2); c.4459+264T>G (NM_001386147.1); c.4477+264T>G (NM_001386160.1); c.4582+264T>G (NM_001354254.2); c.4603+264T>G (NM_001354239.2, NM_001354252.2); c.4504+264T>G (NM_001354272.2); and 35 more.
Identifiers: ClinVar variation 683082 (VCV000683082.1), dbSNP rs115818480, ClinGen allele CA103820979.
Genomic context (GRCh38, chr4:113,363,733, plus strand): 5'-TCTGTGTATAGTTTGTGTATCCTCCCCATGTCTGTGTAGCTTTTTCCCCAGTATTCCAGT[T>G]TCCTCCCACATCCCAAAGATGTGCACATCAGTTTCACTGGTGTTTCTACATTATCCCATT-3'

ClinVar aggregate classification (germline): Likely benign (1 of 4 stars; one submission).

Allele frequency attached by ClinVar (database versions not stated): 1000 Genomes Project 0.00359; gnomAD 0.00429 and 0.00470; 1000 Genomes Project 30x 0.00453; TOPMed 0.00513.
gnomAD v4.1: 643 of 152,280 alleles (0.42%); highest among the groups gnomAD compares: African/African-American, 1.5%; 3 homozygotes.

Submission:

GeneDx
Classification: Likely benign. Last evaluated: 2018-06-16. Review status: criteria provided, single submitter. Criteria: GeneDx Variant Classification (06012015). Collection method: clinical testing. Allele origin: germline. Affected: yes.
Comment: This variant is considered likely benign or benign based on one or more of the following criteria: it is a conservative change, it occurs at a poorly conserved position in the protein, it is predicted to be benign by multiple in silico algorithms, and/or has population frequency not consistent with disease.